The following is an entry in ClinVar:

ClinVar aggregate classification (germline): Uncertain significance. Review status: criteria provided, multiple submitters, no conflicts (2 of 4 stars). 2 submissions from 2 submitters: Uncertain significance (2). Last evaluated 2022-04-19.

Conditions:
Hereditary cancer-predisposing syndrome. Also called: Hereditary neoplastic syndrome; Neoplastic Syndromes, Hereditary; Tumor predisposition; Hereditary Cancer Syndrome. Identifiers: Orphanet 140162, MedGen C0027672, MeSH D009386, MONDO:0015356.

Submissions (2):

Ambry Genetics
Classification: Uncertain significance for Hereditary cancer-predisposing syndrome. Last evaluated: 2022-04-19. Review status: criteria provided, single submitter. Criteria: Ambry Variant Classification Scheme 2023. Collection method: clinical testing. Allele origin: germline.
Comment: The p.H287R variant (also known as c.860A>G), located in coding exon 8 of the FANCC gene, results from an A to G substitution at nucleotide position 860. The histidine at codon 287 is replaced by arginine, an amino acid with highly similar properties. This amino acid position is conserved. In addition, this alteration is predicted to be tolerated by in silico analysis. Since supporting evidence is limited at this time, the clinical significance of this alteration remains unclear.

GeneDx
Classification: Uncertain significance. Last evaluated: 2016-12-07. Review status: criteria provided, single submitter. Criteria: GeneDx Variant Classification (06012015). Collection method: clinical testing. Allele origin: germline. Affected: yes.
Comment: This variant is denoted FANCC c.860A>G at the cDNA level, p.His287Arg (H287R) at the protein level, and results in the change of a Histidine to an Arginine (CAC>CGC). This variant has not, to our knowledge, been published in the literature as pathogenic or benign. FANCC His287Arg was not observed in approximately 6,500 individuals of European and African American ancestry in the NHLBI Exome Sequencing Project, suggesting it is not a common benign variant in these populations. Since Histidine and Arginine share similar properties, this is considered a conservative amino acid substitution. FANCC His287Arg occurs at a position that is not conserved and is located in the regions of interaction with GRP94 and Hsp70 (Gordon 2000). In silico analyses predict that this variant is probably damaging to protein structure and function. Based on currently available evidence, it is unclear whether FANCC His287Arg is pathogenic or benign. We consider it to be a variant of uncertain significance.

NM_000136.3(FANCC):c.860A>G (p.His287Arg)

Genes: FANCC (FA complementation group C; minus strand), AOPEP (aminopeptidase O (putative); plus strand). Cytogenetic location: 9q22.32.
Variant type: single nucleotide variant.
Coding change: c.860A>G on transcript NM_000136.3 (MANE Select); coding-DNA position 860, A replaced by G.
Protein change: p.His287Arg; replaces histidine 287 with arginine.
Molecular consequence: missense variant.
Genome position (GRCh38, 1-based): chr9:95,126,565, T>C on the plus strand (A>G on the coding strand, the complement: FANCC is on the minus strand). VCF-style: chr9-95126565-T-C. GRCh37 (hg19) VCF-style: chr9-97888847-T-C.
Other names: c.860A>G, p.His287Arg (NM_001243743.2, NM_001243744.2); short protein forms H287R.
Identifiers: ClinVar variation 422861 (VCV000422861.5), dbSNP rs76486610, ClinGen allele CA16618884.